The following is an entry in ClinVar:

ClinVar aggregate classification (germline): Uncertain significance (1 of 4 stars; one submission).

Submission:

Labcorp Genetics (formerly Invitae), Labcorp
Classification: Uncertain significance. Last evaluated: 2023-12-11. Review status: criteria provided, single submitter. Criteria: Invitae Variant Classification Sherloc (09022015). Collection method: clinical testing. Allele origin: germline.
Comment: This variant results in a copy number gain of the genomic region encompassing exon(s) 2-21 of the KIF2A gene. This region includes the termination codon of the gene. This copy number gain extends beyond the assayed region for this gene and therefore may encompass additional genes. As the precise location of this event is unknown, it may be in tandem or it may be located elsewhere in the genome. This variant has not been reported in the literature in individuals affected with KIF2A-related conditions. In summary, the available evidence is currently insufficient to determine the role of this variant in disease. Therefore, it has been classified as a Variant of Uncertain Significance.

NC_000005.9:g.(?_61642937)_(61681396_?)dup

Gene: KIF2A (kinesin family member 2A; plus strand). Cytogenetic location: 5q12.1.
Variant type: Duplication.
Identifiers: ClinVar variation 2423687 (VCV002423687.4).